The following is an entry in ClinVar:

ClinVar aggregate classification (germline): Likely benign (1 of 4 stars; one submission).

Allele frequency attached by ClinVar (database versions not stated): TOPMed below 0.00001.
gnomAD v4.1: 7 of 1,614,054 alleles (0.00043%); highest among the groups gnomAD compares: Non-Finnish European, 0.00059%; no homozygotes.

Submission:

CeGaT Center for Human Genetics Tuebingen
Classification: Likely benign. Last evaluated: 2024-04-01. Review status: criteria provided, single submitter. Criteria: CeGaT Center For Human Genetics Tuebingen Variant Classification Criteria Version 2. Collection method: clinical testing. Allele origin: germline. Affected: yes. Observed: 1 variant allele.
Comment: WNK1: BP4, BP7

NM_018979.4(WNK1):c.978C>T (p.Ser326=)

Gene: WNK1 (WNK lysine deficient protein kinase 1; plus strand). Cytogenetic location: 12p13.33.
Variant type: single nucleotide variant.
Coding change: c.978C>T on transcript NM_018979.4 (MANE Select); coding-DNA position 978, C replaced by T.
Protein change: p.Ser326=; no amino-acid change (serine 326 retained).
Molecular consequence: synonymous variant.
Genome position (GRCh38, 1-based): chr12:827,087, C>T. VCF-style: chr12-827087-C-T. GRCh37 (hg19) VCF-style: chr12-936253-C-T.
Other names: c.978C>T, p.Ser326= (NM_001184985.2, NM_014823.3, NM_213655.5).
Identifiers: ClinVar variation 3234336 (VCV003234336.20), dbSNP rs1406280473, ClinGen allele CA477850871.